The following is an entry in ClinVar:

NM_000090.4(COL3A1):c.1456-15T>G

Gene: COL3A1 (collagen type III alpha 1 chain; plus strand). Cytogenetic location: 2q32.2.
Variant type: single nucleotide variant.
Coding change: c.1456-15T>G on transcript NM_000090.4 (MANE Select); 15 bases into the intron before coding-DNA position 1456, T replaced by G.
Molecular consequence: intron variant.
Genome position (GRCh38, 1-based): chr2:188,995,031, T>G. VCF-style: chr2-188995031-T-G. GRCh37 (hg19) VCF-style: chr2-189859757-T-G.
Identifiers: ClinVar variation 924421 (VCV000924421.8), dbSNP rs1688273707, ClinGen allele CA1139657561.

ClinVar aggregate classification (germline): Conflicting classifications of pathogenicity. Review status: criteria provided, conflicting classifications (1 of 4 stars). 3 submissions from 3 submitters: Uncertain significance (1); Likely benign (2). Last evaluated 2025-09-09.

Conditions:
Familial thoracic aortic aneurysm and aortic dissection (TAAD). Also called: Thoracic aortic aneurysms and dissections. Identifiers: Orphanet 91387, MedGen C4707243, MONDO:0019625.
Ehlers-Danlos syndrome, type 4 (EDSVASC). Also called: Ehlers-Danlos Syndrome Type IV; Ehlers-Danlos syndrome vascular type; Ehlers Danlos syndrome, ecchymotic type; Ehlers Danlos syndrome, arterial type; Ehlers Danlos syndrome, Sack-Barabas type. Identifiers: Orphanet 286, MedGen C0268338, MONDO:0017314, OMIM 130050.

Allele frequency attached by ClinVar (database versions not stated): gnomAD exomes 0.00001.
gnomAD v4.1: 11 of 1,614,010 alleles (0.00068%); highest among the groups gnomAD compares: Non-Finnish European, 0.00093%; no homozygotes.

Submissions (3):

Color Diagnostics, LLC DBA Color Health
Classification: Likely benign for Familial thoracic aortic aneurysm and aortic dissection. Last evaluated: 2025-09-09. Review status: criteria provided, single submitter. Criteria: ACMG Guidelines, 2015. Collection method: clinical testing. Allele origin: germline.

Labcorp Genetics (formerly Invitae), Labcorp
Classification: Likely benign for Ehlers-Danlos syndrome, type 4. Last evaluated: 2025-06-22. Review status: criteria provided, single submitter. Criteria: Invitae Variant Classification Sherloc (09022015). Collection method: clinical testing. Allele origin: germline.

Women's Health and Genetics/Laboratory Corporation of America, LabCorp
Classification: Uncertain significance. Last evaluated: 2025-06-09. Review status: criteria provided, single submitter. Criteria: LabCorp Variant Classification Summary - May 2015. Collection method: clinical testing. Allele origin: germline.
Comment: Variant summary: COL3A1 c.1456-15T>G alters a nucleotide located at a position not widely known to affect splicing. Several computational tools predict a significant impact on normal splicing: Two predict the variant weakens a 3' acceptor site. One predict the variant no significant impact on splicing. However, these predictions have yet to be confirmed by functional studies. The variant allele was found at a frequency of 6.8e-06 in 1614010 control chromosomes. This frequency is not significantly higher than estimated for a pathogenic variant in COL3A1 causing Polymicrogyria with or without vascular-type Ehlers-Danlos syndrome, allowing no conclusion about variant significance. To our knowledge, no occurrence of c.1456-15T>G in individuals affected with Polymicrogyria with or without vascular-type Ehlers-Danlos syndrome and no experimental evidence demonstrating its impact on protein function have been reported. ClinVar contains an entry for this variant (Variation ID: 924421). Based on the evidence outlined above, the variant was classified as uncertain significance.